The following is an entry in ClinVar:

ClinVar aggregate classification (germline): Uncertain significance (1 of 4 stars; one submission).

Conditions:
Intellectual disability, autosomal recessive 53 (NEDHSCA). Also called: GLYCOSYLPHOSPHATIDYLINOSITOL BIOSYNTHESIS DEFECT 13; Mental retardation, autosomal recessive 53; NEURODEVELOPMENTAL DISORDER WITH OR WITHOUT HYPOTONIA, SEIZURES, AND CEREBELLAR ATROPHY. Identifiers: Orphanet 488635, MedGen C4310794, MONDO:0014832, OMIM 616917.

Submission:

Labcorp Genetics (formerly Invitae), Labcorp
Classification: Uncertain significance for Intellectual disability, autosomal recessive 53. Last evaluated: 2022-07-09. Review status: criteria provided, single submitter. Criteria: Invitae Variant Classification Sherloc (09022015). Collection method: clinical testing. Allele origin: germline.
Comment: This variant results in a copy number gain of the genomic region encompassing exon(s) 7-13 of the PIGG gene. This region includes the termination codon of the gene. This copy number gain extends beyond the assayed region for this gene and therefore may encompass additional genes. As the precise location of this event is unknown, it may be in tandem or it may be located elsewhere in the genome. In summary, the available evidence is currently insufficient to determine the role of this variant in disease. Therefore, it has been classified as a Variant of Uncertain Significance. This variant has not been reported in the literature in individuals affected with PIGG-related conditions.

NC_000004.11:g.(?_514825)_(533158_?)dup

Gene: PIGG (phosphatidylinositol glycan anchor biosynthesis class G (EMM blood group); plus strand). Cytogenetic location: 4p16.3.
Variant type: Duplication.
Identifiers: ClinVar variation 2423746 (VCV002423746.6).